The following is an entry in ClinVar:

ClinVar aggregate classification (germline): Uncertain significance. Review status: criteria provided, multiple submitters, no conflicts (2 of 4 stars). 2 submissions from 2 submitters: Uncertain significance (2). Last evaluated 2026-07-06.

Conditions:
Oligodontia-cancer predisposition syndrome. Also called: TOOTH AGENESIS-COLORECTAL CANCER SYNDROME. Identifiers: Orphanet 300576, MedGen C1837750, MONDO:0012075, OMIM 608615. Disease mechanism: loss of function.
Hereditary cancer-predisposing syndrome. Also called: Tumor predisposition; Hereditary Cancer Syndrome; Hereditary neoplastic syndrome; Neoplastic Syndromes, Hereditary. Identifiers: Orphanet 140162, MedGen C0027672, MeSH D009386, MONDO:0015356.

Allele frequency attached by ClinVar (database versions not stated): gnomAD exomes below 0.00001.
gnomAD v4.1: 3 of 1,614,190 alleles (0.00019%); highest among the groups gnomAD compares: South Asian, 0.0022%; no homozygotes.

Submissions (2):

Ambry Genetics
Classification: Uncertain significance for Hereditary cancer-predisposing syndrome. Last evaluated: 2026-07-06. Review status: criteria provided, single submitter. Criteria: Ambry Variant Classification Scheme 2023. Collection method: clinical testing. Allele origin: germline.
Comment: The p.T363I variant (also known as c.1088C>T), located in coding exon 4 of the AXIN2 gene, results from a C to T substitution at nucleotide position 1088. The threonine at codon 363 is replaced by isoleucine, an amino acid with similar properties. This amino acid position is conserved. In addition, this alteration is predicted to be tolerated by in silico analysis. Based on the available evidence, the clinical significance of this variant remains unclear.

Labcorp Genetics (formerly Invitae), Labcorp
Classification: Uncertain significance for Oligodontia-cancer predisposition syndrome. Last evaluated: 2023-06-29. Review status: criteria provided, single submitter. Criteria: Invitae Variant Classification Sherloc (09022015). Collection method: clinical testing. Allele origin: germline.
Comment: An algorithm developed to predict the effect of missense changes on protein structure and function (PolyPhen-2) suggests that this variant is likely to be tolerated. This sequence change replaces threonine, which is neutral and polar, with isoleucine, which is neutral and non-polar, at codon 363 of the AXIN2 protein (p.Thr363Ile). This variant is not present in population databases (gnomAD no frequency). This variant has not been reported in the literature in individuals affected with AXIN2-related conditions. ClinVar contains an entry for this variant (Variation ID: 1037379). In summary, the available evidence is currently insufficient to determine the role of this variant in disease. Therefore, it has been classified as a Variant of Uncertain Significance.

NM_004655.4(AXIN2):c.1088C>T (p.Thr363Ile)

Gene: AXIN2 (axin 2; minus strand). Cytogenetic location: 17q24.1.
Variant type: single nucleotide variant.
Coding change: c.1088C>T on transcript NM_004655.4 (MANE Select); coding-DNA position 1088, C replaced by T.
Protein change: p.Thr363Ile; replaces threonine 363 with isoleucine.
Molecular consequence: missense variant.
Genome position (GRCh38, 1-based): chr17:65,538,315, G>A on the plus strand (C>T on the coding strand, the complement: AXIN2 is on the minus strand). VCF-style: chr17-65538315-G-A. GRCh37 (hg19) VCF-style: chr17-63534433-G-A.
Other names: c.1088C>T (NM_004655.3); c.1088C>T, p.Thr363Ile (NM_001363813.1); short protein forms T363I.
Identifiers: ClinVar variation 1037379 (VCV001037379.10), dbSNP rs2043981175, ClinGen allele CA400678526.